The following is an entry in ClinVar:

ClinVar aggregate classification (germline): Uncertain significance (1 of 4 stars; one submission).

Conditions:
Charcot-Marie-Tooth disease type 2. Also called: Charcot-Marie-Tooth type 2. Identifiers: Orphanet 64746, MedGen C0270914, MONDO:0018993.

Allele frequency attached by ClinVar (database versions not stated): ExAC 0.00001; gnomAD exomes 0.00001 and 0.00002; TOPMed below 0.00001.

Submission:

Labcorp Genetics (formerly Invitae), Labcorp
Classification: Uncertain significance for Charcot-Marie-Tooth disease type 2. Last evaluated: 2022-07-26. Review status: criteria provided, single submitter. Criteria: Invitae Variant Classification Sherloc (09022015). Collection method: clinical testing. Allele origin: germline.
Comment: This sequence change replaces isoleucine, which is neutral and non-polar, with methionine, which is neutral and non-polar, at codon 419 of the MFN2 protein (p.Ile419Met). In summary, the available evidence is currently insufficient to determine the role of this variant in disease. Therefore, it has been classified as a Variant of Uncertain Significance. Advanced modeling of protein sequence and biophysical properties (such as structural, functional, and spatial information, amino acid conservation, physicochemical variation, residue mobility, and thermodynamic stability) performed at Invitae indicates that this missense variant is expected to disrupt MFN2 protein function. ClinVar contains an entry for this variant (Variation ID: 1019354). This variant has not been reported in the literature in individuals affected with MFN2-related conditions. This variant is present in population databases (rs749893944, gnomAD 0.009%).

NM_014874.4(MFN2):c.1257T>G (p.Ile419Met)

Gene: MFN2 (mitofusin 2; plus strand). Cytogenetic location: 1p36.22.
Variant type: single nucleotide variant.
Coding change: c.1257T>G on transcript NM_014874.4 (MANE Select); coding-DNA position 1257, T replaced by G.
Protein change: p.Ile419Met; replaces isoleucine 419 with methionine.
Molecular consequence: missense variant.
Genome position (GRCh38, 1-based): chr1:12,004,088, T>G. VCF-style: chr1-12004088-T-G. GRCh37 (hg19) VCF-style: chr1-12064145-T-G.
Other names: c.1257T>G, p.Ile419Met (NM_001127660.2); short protein forms I419M.
Identifiers: ClinVar variation 1019354 (VCV001019354.8), dbSNP rs749893944, ClinGen allele CA599058.